The following is an entry in ClinVar:

NM_020831.6(MRTFA):c.1979G>A (p.Arg660Gln)

Gene: MRTFA (myocardin related transcription factor A; minus strand). Cytogenetic location: 22q13.1.
Variant type: single nucleotide variant.
Coding change: c.1979G>A on transcript NM_020831.6 (MANE Select); coding-DNA position 1979, G replaced by A.
Protein change: p.Arg660Gln; replaces arginine 660 with glutamine.
Molecular consequence: missense variant.
Genome position (GRCh38, 1-based): chr22:40,418,759, C>T on the plus strand (G>A on the coding strand, the complement: MRTFA is on the minus strand). VCF-style: chr22-40418759-C-T. GRCh37 (hg19) VCF-style: chr22-40814763-C-T.
Other names: c.1679G>A, p.Arg560Gln (NM_001282660.2); c.1829G>A, p.Arg610Gln (NM_001282661.3); c.1979G>A, p.Arg660Gln (NM_001282662.3); c.1784G>A, p.Arg595Gln (NM_001318139.2); c.1679G>A (NM_020831.3); short protein forms R560Q, R595Q, R610Q, R660Q.
Identifiers: ClinVar variation 2414105 (VCV002414105.7), dbSNP rs374264128, ClinGen allele CA10249486.

ClinVar aggregate classification (germline): Uncertain significance. Review status: criteria provided, multiple submitters, no conflicts (2 of 4 stars). 2 submissions from 2 submitters: Uncertain significance (2). Last evaluated 2025-02-20.

Allele frequency attached by ClinVar (database versions not stated): gnomAD 0.00002; gnomAD exomes 0.00002; TOPMed 0.00002; ESP Exome Variant Server 0.00008.
gnomAD v4.1: 34 of 1,534,698 alleles (0.0022%); highest among the groups gnomAD compares: Middle Eastern, 0.022%; no homozygotes.

Submissions (2):

Labcorp Genetics (formerly Invitae), Labcorp
Classification: Uncertain significance. Last evaluated: 2025-02-20. Review status: criteria provided, single submitter. Criteria: Invitae Variant Classification Sherloc (09022015). Collection method: clinical testing. Allele origin: germline.
Comment: This sequence change replaces arginine, which is basic and polar, with glutamine, which is neutral and polar, at codon 560 of the MKL1 protein (p.Arg560Gln). This variant is present in population databases (rs374264128, gnomAD 0.009%). This variant has not been reported in the literature in individuals affected with MKL1-related conditions. ClinVar contains an entry for this variant (Variation ID: 2414105). An algorithm developed to predict the effect of missense changes on protein structure and function (PolyPhen-2) suggests that this variant is likely to be tolerated. In summary, the available evidence is currently insufficient to determine the role of this variant in disease. Therefore, it has been classified as a Variant of Uncertain Significance.

Ambry Genetics
Classification: Uncertain significance. Last evaluated: 2024-11-27. Review status: criteria provided, single submitter. Criteria: Ambry Variant Classification Scheme 2023. Collection method: clinical testing. Allele origin: germline.